The following is an entry in ClinVar:

ClinVar aggregate classification (germline): Uncertain significance (1 of 4 stars; one submission).

Allele frequency attached by ClinVar (database versions not stated): gnomAD below 0.00001 and 0.00001; ExAC 0.00002; gnomAD exomes 0.00002 and 0.00004.
gnomAD v4.1: 36 of 1,613,956 alleles (0.0022%); highest among the groups gnomAD compares: South Asian, 0.038%; no homozygotes.

Submission:

Labcorp Genetics (formerly Invitae), Labcorp
Classification: Uncertain significance. Last evaluated: 2020-02-18. Review status: criteria provided, single submitter. Criteria: Invitae Variant Classification Sherloc (09022015). Collection method: clinical testing. Allele origin: germline.
Comment: In summary, the available evidence is currently insufficient to determine the role of this variant in disease. Therefore, it has been classified as a Variant of Uncertain Significance. This sequence change replaces alanine with valine at codon 302 of the RDH11 protein (p.Ala302Val). The alanine residue is moderately conserved and there is a small physicochemical difference between alanine and valine. This variant is present in population databases (rs752993895, ExAC 0.02%). This variant has not been reported in the literature in individuals with RDH11-related conditions. Algorithms developed to predict the effect of missense changes on protein structure and function are either unavailable or do not agree on the potential impact of this missense change (SIFT: "Deleterious"; PolyPhen-2: "Possibly Damaging"; Align-GVGD: "Class C0"). Algorithms developed to predict the effect of sequence changes on RNA splicing suggest that this variant may create or strengthen a splice site, but this prediction has not been confirmed by published transcriptional studies.

NM_016026.4(RDH11):c.905C>T (p.Ala302Val)

Genes: GPHN (gephyrin; plus strand), RDH11 (retinol dehydrogenase 11; minus strand). Cytogenetic location: 14q24.1.
Variant type: single nucleotide variant.
Coding change: c.905C>T on transcript NM_016026.4 (MANE Select); coding-DNA position 905, C replaced by T.
Protein change: p.Ala302Val; replaces alanine 302 with valine.
Molecular consequence: missense variant.
Genome position (GRCh38, 1-based): chr14:67,678,373, G>A on the plus strand (C>T on the coding strand, the complement: RDH11 is on the minus strand). VCF-style: chr14-67678373-G-A. GRCh37 (hg19) VCF-style: chr14-68145090-G-A.
Other names: c.695C>T, p.Ala232Val (NM_001252650.2); short protein forms A232V, A302V.
Identifiers: ClinVar variation 1010810 (VCV001010810.9), dbSNP rs752993895, ClinGen allele CA7238269.